The following is an entry in ClinVar:

NM_001171.6(ABCC6):c.3018G>A (p.Met1006Ile)

Gene: ABCC6 (ATP binding cassette subfamily C member 6; minus strand). Cytogenetic location: 16p13.11.
Variant type: single nucleotide variant.
Coding change: c.3018G>A on transcript NM_001171.6 (MANE Select); coding-DNA position 3018, G replaced by A.
Protein change: p.Met1006Ile; replaces methionine 1006 with isoleucine.
Molecular consequence: missense variant. On other transcripts: non-coding transcript variant (1).
Genome position (GRCh38, 1-based): chr16:16,165,911, C>T on the plus strand (G>A on the coding strand, the complement: ABCC6 is on the minus strand). VCF-style: chr16-16165911-C-T. GRCh37 (hg19) VCF-style: chr16-16259768-C-T.
Other names: c.2676G>A, p.Met892Ile (NM_001351800.1); short protein forms M1006I, M892I.
Identifiers: ClinVar variation 2124138 (VCV002124138.4), dbSNP rs2046858863, ClinGen allele CA394883379.
Genomic context (GRCh38, chr16:16,165,911, plus strand): 5'-CCACAGGAGCCTCTGGAAGAGCAACCTGGATGCCCGGGCCCCACCTAGGAGCACCGCAGC[C>T]ATGGAGGCAAACAGCCCAATGGCTGGGGAGGGAGAGGAGGTAAGAGCATGAGGGCTGGAG-3'
Protein context (NP_001162.5, residues 996-1016): CLQAIGLFAS[Met1006Ile]AAVLLGGARA

ClinVar aggregate classification (germline): Uncertain significance (1 of 4 stars; one submission).

Allele frequency attached by ClinVar (database versions not stated): gnomAD exomes below 0.00001; TOPMed below 0.00001.

Submission:

Labcorp Genetics (formerly Invitae), Labcorp
Classification: Uncertain significance. Last evaluated: 2022-04-10. Review status: criteria provided, single submitter. Criteria: Invitae Variant Classification Sherloc (09022015). Collection method: clinical testing. Allele origin: germline.
Comment: Algorithms developed to predict the effect of sequence changes on RNA splicing suggest that this variant may create or strengthen a splice site. In summary, the available evidence is currently insufficient to determine the role of this variant in disease. Therefore, it has been classified as a Variant of Uncertain Significance. Advanced modeling of protein sequence and biophysical properties (such as structural, functional, and spatial information, amino acid conservation, physicochemical variation, residue mobility, and thermodynamic stability) performed at Invitae indicates that this missense variant is not expected to disrupt ABCC6 protein function. This variant has not been reported in the literature in individuals affected with ABCC6-related conditions. This variant is not present in population databases (gnomAD no frequency). This sequence change replaces methionine, which is neutral and non-polar, with isoleucine, which is neutral and non-polar, at codon 1006 of the ABCC6 protein (p.Met1006Ile).